The following is an entry in ClinVar:

NM_001042472.3(ABHD12):c.905T>C (p.Leu302Pro)

Gene: ABHD12 (abhydrolase domain containing 12, lysophospholipase; minus strand). Cytogenetic location: 20p11.21.
Variant type: single nucleotide variant.
Coding change: c.905T>C on transcript NM_001042472.3 (MANE Select); coding-DNA position 905, T replaced by C.
Protein change: p.Leu302Pro; replaces leucine 302 with proline.
Molecular consequence: missense variant.
Genome position (GRCh38, 1-based): chr20:25,306,878, A>G on the plus strand (T>C on the coding strand, the complement: ABHD12 is on the minus strand). VCF-style: chr20-25306878-A-G. GRCh37 (hg19) VCF-style: chr20-25287514-A-G.
Other names: c.905T>C, p.Leu302Pro (NM_015600.5); short protein forms L302P.
Identifiers: ClinVar variation 4991576 (VCV004991576.1).

ClinVar aggregate classification (germline): Uncertain significance (1 of 4 stars; one submission).

Conditions:
ABHD12-related disorder. Also called: ABHD12-related condition.

Submission:

PreventionGenetics, part of Exact Sciences
Classification: Uncertain significance for ABHD12-related condition. Last evaluated: 2026-08-04. Review status: criteria provided, single submitter. Criteria: ACMG Guidelines, 2015. Collection method: clinical testing. Allele origin: germline.
Comment: The ABHD12 c.905T>C variant is predicted to result in the amino acid substitution p.Leu302Pro. To our knowledge, this variant has not been reported in the literature. This variant is absent in a large population database (gnomAD), indicating this variant is rare. At this time, the clinical significance of this variant is uncertain due to the absence of conclusive functional and genetic evidence.